The following is an entry in ClinVar:

ClinVar aggregate classification (germline): Uncertain significance (1 of 4 stars; one submission).

Conditions:
Pterin-4 alpha-carbinolamine dehydratase 1 deficiency. Also called: HYPERPHENYLALANINEMIA WITH PRIMAPTERINURIA; HYPERPHENYLALANINEMIA, TETRAHYDROBIOPTERIN-DEFICIENT, DUE TO PTERIN-4-ALPHA-CARBINOLAMINE DEHYDRATASE DEFICIENCY; Hyperphenylalaninemia due to dehydratase deficiency; CADH DEFICIENCY. Identifiers: Orphanet 1578, Orphanet 238583, MedGen C1849700, MONDO:0009908, OMIM 264070.

Submission:

Labcorp Genetics (formerly Invitae), Labcorp
Classification: Uncertain significance for Pterin-4 alpha-carbinolamine dehydratase 1 deficiency. Last evaluated: 2021-02-15. Review status: criteria provided, single submitter. Criteria: Invitae Variant Classification Sherloc (09022015). Collection method: clinical testing. Allele origin: germline.
Comment: In summary, the available evidence is currently insufficient to determine the role of this variant in disease. Therefore, it has been classified as a Variant of Uncertain Significance. Algorithms developed to predict the effect of sequence changes on RNA splicing suggest that this variant may create or strengthen a splice site, but this prediction has not been confirmed by published transcriptional studies. Algorithms developed to predict the effect of missense changes on protein structure and function (SIFT, PolyPhen-2, Align-GVGD) all suggest that this variant is likely to be tolerated, but these predictions have not been confirmed by published functional studies and their clinical significance is uncertain. This variant has not been reported in the literature in individuals with PCBD1-related conditions. This variant is not present in population databases (ExAC no frequency). This sequence change replaces alanine with valine at codon 2 of the PCBD1 protein (p.Ala2Val). The alanine residue is moderately conserved and there is a small physicochemical difference between alanine and valine.

NM_000281.4(PCBD1):c.5C>T (p.Ala2Val)

Gene: PCBD1 (pterin-4 alpha-carbinolamine dehydratase 1; minus strand). Cytogenetic location: 10q22.1.
Variant type: single nucleotide variant.
Coding change: c.5C>T on transcript NM_000281.4 (MANE Select); coding-DNA position 5, C replaced by T.
Protein change: p.Ala2Val; replaces alanine 2 with valine.
Molecular consequence: missense variant. On other transcripts: 5 prime UTR variant (1).
Genome position (GRCh38, 1-based): chr10:70,885,928, G>A on the plus strand (C>T on the coding strand, the complement: PCBD1 is on the minus strand). VCF-style: chr10-70885928-G-A. GRCh37 (hg19) VCF-style: chr10-72645685-G-A.
Other names: c.-143C>T (NM_001289797.2); c.5C>T, p.Ala2Val (NM_001323004.2); short protein forms A2V.
Identifiers: ClinVar variation 1372630 (VCV001372630.8), dbSNP rs1846575724, ClinGen allele CA377128840.
Genomic context (GRCh38, chr10:70,885,928, plus strand): 5'-GCCCTCAGGTTTGGCAGCAGCTGGTCCCTCTCCTCAGCGCTCAGCCTGTGTGCTTTGCCA[G>A]CCTAGAAGAGGGAAAAAAACAGAGGCCCAAGGGCATTTCTCTTTATAGGTCAAAACAGAG-3'
Protein context (NP_000272.1, residues 1-12): M[Ala2Val]GKAHRLSAEE